The following is an entry in ClinVar:

ClinVar aggregate classification (germline): Uncertain significance (1 of 4 stars; one submission).

Conditions:
PLXNA2-related disorder. Also called: PLXNA2-related condition.

Submission:

PreventionGenetics, part of Exact Sciences
Classification: Uncertain significance for PLXNA2-related condition. Last evaluated: 2026-09-21. Review status: criteria provided, single submitter. Criteria: ACMG Guidelines, 2015. Collection method: clinical testing. Allele origin: germline.
Comment: The PLXNA2 c.2705C>G variant is predicted to result in the amino acid substitution p.Thr902Arg. To our knowledge, this variant has not been reported in the literature or in a large population database (gnomAD), indicating this variant is rare. At this time, the clinical significance of this variant is uncertain due to the absence of conclusive functional and genetic evidence.

NM_025179.4(PLXNA2):c.2705C>G (p.Thr902Arg)

Gene: PLXNA2 (plexin A2; minus strand). Cytogenetic location: 1q32.2.
Variant type: single nucleotide variant.
Coding change: c.2705C>G on transcript NM_025179.4 (MANE Select); coding-DNA position 2705, C replaced by G.
Protein change: p.Thr902Arg; replaces threonine 902 with arginine.
Molecular consequence: missense variant.
Genome position (GRCh38, 1-based): chr1:208,060,719, G>C on the plus strand (C>G on the coding strand, the complement: PLXNA2 is on the minus strand). VCF-style: chr1-208060719-G-C. GRCh37 (hg19) VCF-style: chr1-208234064-G-C.
Other names: short protein forms T902R.
Identifiers: ClinVar variation 4983065 (VCV004983065.1).